The following is an entry in ClinVar:

NM_001035.3(RYR2):c.14221G>A (p.Ala4741Thr)

Gene: RYR2 (ryanodine receptor 2; plus strand). Cytogenetic location: 1q43.
Variant type: single nucleotide variant.
Coding change: c.14221G>A on transcript NM_001035.3 (MANE Select); coding-DNA position 14221, G replaced by A.
Protein change: p.Ala4741Thr; replaces alanine 4741 with threonine.
Molecular consequence: missense variant.
Genome position (GRCh38, 1-based): chr1:237,806,206, G>A. VCF-style: chr1-237806206-G-A. GRCh37 (hg19) VCF-style: chr1-237969506-G-A.
Other names: short protein forms A4741T.
Identifiers: ClinVar variation 1401400 (VCV001401400.8), dbSNP rs2149437588, ClinGen allele CA068145.

ClinVar aggregate classification (germline): Uncertain significance. Review status: criteria provided, multiple submitters, no conflicts (2 of 4 stars). 2 submissions from 2 submitters: Uncertain significance (2). Last evaluated 2024-06-17.

Conditions:
Catecholaminergic polymorphic ventricular tachycardia (CVPT). Also called: Catecholamine-induced polymorphic ventricular tachycardia. Identifiers: Orphanet 3286, MedGen C5574922, MONDO:0017990.
Catecholaminergic polymorphic ventricular tachycardia 1. Also called: VENTRICULAR TACHYCARDIA, STRESS-INDUCED POLYMORPHIC 1; VENTRICULAR TACHYCARDIA, CATECHOLAMINERGIC POLYMORPHIC, 1, WITH OR WITHOUT ATRIAL DYSFUNCTION AND/OR DILATED CARDIOMYOPATHY; RYR2-Related Catecholaminergic Polymorphic Ventricular Tachycardia. Identifiers: Orphanet 3286, MedGen C1631597, MONDO:0011484, OMIM 604772.

gnomAD v4.1: 2 of 1,611,422 alleles (0.00012%); highest among the groups gnomAD compares: Non-Finnish European, 0.000085%; no homozygotes.

Submissions (2):

All of Us Research Program, National Institutes of Health
Classification: Uncertain significance for Catecholaminergic polymorphic ventricular tachycardia. Last evaluated: 2024-06-17. Review status: criteria provided, single submitter. Criteria: ACMG Guidelines, 2015. Collection method: clinical testing. Allele origin: germline. Inheritance: Autosomal dominant inheritance. Observed: 1 variant allele, 1 heterozygote.
Comment: This missense variant replaces alanine with threonine at codon 4741 of the RYR2 protein. Computational prediction suggests that this variant may have deleterious impact on protein structure and function (internally defined REVEL score threshold >= 0.7, PMID: 27666373). To our knowledge, functional studies have not been reported for this variant. This variant has not been reported in individuals affected with RYR2-related disorders in the literature. This variant has not been identified in the general population by the Genome Aggregation Database (gnomAD). The available evidence is insufficient to determine the role of this variant in disease conclusively. Therefore, this variant is classified as a Variant of Uncertain Significance.

This study involves interpretation of variants in research participants for the purpose of population health screening. Participant phenotype was not available at the time of variant classification. Additional details can be found in publication PMID: 35346344, PMCID: PMC8962531

Labcorp Genetics (formerly Invitae), Labcorp
Classification: Uncertain significance for Catecholaminergic polymorphic ventricular tachycardia 1. Last evaluated: 2022-07-06. Review status: criteria provided, single submitter. Criteria: Invitae Variant Classification Sherloc (09022015). Collection method: clinical testing. Allele origin: germline.
Comment: In summary, the available evidence is currently insufficient to determine the role of this variant in disease. Therefore, it has been classified as a Variant of Uncertain Significance. Advanced modeling of protein sequence and biophysical properties (such as structural, functional, and spatial information, amino acid conservation, physicochemical variation, residue mobility, and thermodynamic stability) performed at Invitae indicates that this missense variant is expected to disrupt RYR2 protein function. ClinVar contains an entry for this variant (Variation ID: 1401400). This variant has not been reported in the literature in individuals affected with RYR2-related conditions. This variant is not present in population databases (gnomAD no frequency). This sequence change replaces alanine, which is neutral and non-polar, with threonine, which is neutral and polar, at codon 4741 of the RYR2 protein (p.Ala4741Thr).